The following is an entry in ClinVar:

ClinVar aggregate classification (germline): Uncertain significance (1 of 4 stars; one submission).

Submission:

Labcorp Genetics (formerly Invitae), Labcorp
Classification: Uncertain significance. Last evaluated: 2021-09-14. Review status: criteria provided, single submitter. Criteria: Invitae Variant Classification Sherloc (09022015). Collection method: clinical testing. Allele origin: germline.
Comment: In summary, the available evidence is currently insufficient to determine the role of this variant in disease. Therefore, it has been classified as a Variant of Uncertain Significance. Experimental studies and prediction algorithms are not available or were not evaluated, and the functional significance of this variant is currently unknown. This variant has not been reported in the literature in individuals affected with SLC24A1-related conditions. This variant is not present in population databases (ExAC no frequency). This variant, c.2617_2631del, results in the deletion of 5 amino acid(s) of the SLC24A1 protein (p.Glu873_Glu877del), but otherwise preserves the integrity of the reading frame.

NM_004727.3(SLC24A1):c.2617_2631del (p.Glu873_Glu877del)

Gene: SLC24A1 (solute carrier family 24 member 1; plus strand). Cytogenetic location: 15q22.31.
Variant type: Deletion.
Coding change: c.2617_2631del on transcript NM_004727.3 (MANE Select); coding-DNA positions 2617 to 2631, 15 bases deleted (GAGGAGGAGGAAGAG).
Protein change: p.Glu873_Glu877del.
Molecular consequence: inframe deletion.
Genome position (GRCh38, 1-based): chr15:65,650,766-65,650,780, GAGGAGGAGGAAGAG deleted; deleting any 15 consecutive bases within chr15:65,650,755-65,650,780 gives the same sequence; the c. name uses the placement nearest the transcript's 3' end. VCF-style (leftmost placement, unchanged base first): chr15-65650754-CAGGAGGAAGAGGAGG-C. GRCh37 (hg19) VCF-style: chr15-65943092-CAGGAGGAAGAGGAGG-C.
Other names: c.598_612del, p.Glu200_Glu204del (NM_001254740.2); c.2617_2631del, p.Glu873_Glu877del (NM_001301031.1); c.2563_2577del, p.Glu855_Glu859del (NM_001301032.1, NM_001301033.2).
Identifiers: ClinVar variation 1518902 (VCV001518902.6), dbSNP rs1451948872, ClinGen allele CA618958018.
Genomic context (GRCh38, chr15:65,650,754, plus strand): 5'-GAAGATGGAGGGGGAAGTGATGGAGGGGATAGCGAAGAGGAGGAAGAGGAGGAGGAAGAG[CAGGAGGAAGAGGAGG>C]AGGAGGAAGAGCAGGAGGAAGAGGAGGAGGAGGAGGAGGAAGAGGAGGAGAAGGGAAATG-3'